The following is an entry in ClinVar:

ClinVar aggregate classification (germline): Uncertain significance (1 of 4 stars; one submission).

Allele frequency attached by ClinVar (database versions not stated): TOPMed below 0.00001; gnomAD 0.00001; ESP Exome Variant Server 0.00008; ExAC 0.00002.

Submission:

Labcorp Genetics (formerly Invitae), Labcorp
Classification: Uncertain significance. Last evaluated: 2024-04-29. Review status: criteria provided, single submitter. Criteria: Invitae Variant Classification Sherloc (09022015). Collection method: clinical testing. Allele origin: germline.
Comment: This sequence change replaces glutamine, which is neutral and polar, with histidine, which is basic and polar, at codon 266 of the LRRC10 protein (p.Gln266His). This variant is present in population databases (rs374204273, gnomAD 0.003%). This variant has not been reported in the literature in individuals affected with LRRC10-related conditions. ClinVar contains an entry for this variant (Variation ID: 2165722). An algorithm developed to predict the effect of missense changes on protein structure and function (PolyPhen-2) suggests that this variant is likely to be tolerated. In summary, the available evidence is currently insufficient to determine the role of this variant in disease. Therefore, it has been classified as a Variant of Uncertain Significance.

NM_201550.4(LRRC10):c.798G>C (p.Gln266His)

Gene: LRRC10 (leucine rich repeat containing 10; minus strand). Cytogenetic location: 12q15.
Variant type: single nucleotide variant.
Coding change: c.798G>C on transcript NM_201550.4 (MANE Select); coding-DNA position 798, G replaced by C.
Protein change: p.Gln266His; replaces glutamine 266 with histidine.
Molecular consequence: missense variant.
Genome position (GRCh38, 1-based): chr12:69,610,041, C>G on the plus strand (G>C on the coding strand, the complement: LRRC10 is on the minus strand). VCF-style: chr12-69610041-C-G. GRCh37 (hg19) VCF-style: chr12-70003821-C-G.
Other names: short protein forms Q266H.
Identifiers: ClinVar variation 2165722 (VCV002165722.4), dbSNP rs374204273, ClinGen allele CA6680988.